The following is an entry in ClinVar:

ClinVar aggregate classification (germline): Uncertain significance (0 of 4 stars; one submission).

Conditions:
SEMA3F-related disorder. Also called: SEMA3F-related condition.

Allele frequency attached by ClinVar (database versions not stated): gnomAD 0.00001; TOPMed 0.00001.
gnomAD v4.1: 18 of 1,610,234 alleles (0.0011%); highest among the groups gnomAD compares: Non-Finnish European, 0.0013%; no homozygotes.

Submission:

PreventionGenetics, part of Exact Sciences
Classification: Uncertain significance for SEMA3F-related condition. Last evaluated: 2024-02-09. Review status: no assertion criteria provided. Collection method: clinical testing. Allele origin: germline.
Comment: The SEMA3F c.1886G>A variant is predicted to result in the amino acid substitution p.Arg629His. To our knowledge, this variant has not been reported in the literature. This variant is reported in 0.0018% of alleles in individuals of European (Non-Finnish) descent in gnomAD. At this time, the clinical significance of this variant is uncertain due to the absence of conclusive functional and genetic evidence.

NM_004186.5(SEMA3F):c.1886G>A (p.Arg629His)

Gene: SEMA3F (semaphorin 3F; plus strand). Cytogenetic location: 3p21.31.
Variant type: single nucleotide variant.
Coding change: c.1886G>A on transcript NM_004186.5 (MANE Select); coding-DNA position 1886, G replaced by A.
Protein change: p.Arg629His; replaces arginine 629 with histidine.
Molecular consequence: missense variant.
Genome position (GRCh38, 1-based): chr3:50,186,685, G>A. VCF-style: chr3-50186685-G-A. GRCh37 (hg19) VCF-style: chr3-50224118-G-A.
Other names: c.1589G>A, p.Arg530His (NM_001318798.2); c.1793G>A, p.Arg598His (NM_001318800.2); short protein forms R530H, R598H, R629H.
Identifiers: ClinVar variation 3029564 (VCV003029564.2), dbSNP rs761601708, ClinGen allele CA2412262.